The following is an entry in ClinVar:

NM_002439.5(MSH3):c.1060_1092dup (p.Val354_Ser364dup)

Gene: MSH3 (mutS homolog 3; plus strand). Cytogenetic location: 5q14.1.
Variant type: Duplication.
Coding change: c.1060_1092dup on transcript NM_002439.5 (MANE Select); coding-DNA positions 1060 to 1092, 33 bases duplicated.
Protein change: p.Val354_Ser364dup.
Molecular consequence: inframe insertion.
Genome position (GRCh38, 1-based): chr5:80,675,015-80,675,047, 33 bases duplicated; duplicating any 33 consecutive bases within chr5:80,675,013-80,675,047 gives the same sequence; the c. name uses the placement nearest the transcript's 3' end. GRCh37 (hg19): chr5:79,970,834-79,970,866.
Identifiers: ClinVar variation 818318 (VCV000818318.15), dbSNP rs1580553663, ClinGen allele CA915943434.

ClinVar aggregate classification (germline): Uncertain significance. Review status: criteria provided, multiple submitters, no conflicts (2 of 4 stars). 2 submissions from 2 submitters: Uncertain significance (2). Last evaluated 2026-01-20.

Conditions:
Hereditary cancer-predisposing syndrome. Also called: Tumor predisposition; Hereditary neoplastic syndrome; Neoplastic Syndromes, Hereditary; Hereditary Cancer Syndrome. Identifiers: Orphanet 140162, MedGen C0027672, MeSH D009386, MONDO:0015356.

Submissions (2):

Labcorp Genetics (formerly Invitae), Labcorp
Classification: Uncertain significance. Last evaluated: 2026-01-20. Review status: criteria provided, single submitter. Criteria: Invitae Variant Classification Sherloc (09022015). Collection method: clinical testing. Allele origin: germline.
Comment: This variant, c.1060_1092dup, results in the insertion of 11 amino acid(s) of the MSH3 protein (p.Val354_Ser364dup), but otherwise preserves the integrity of the reading frame. This variant is not present in population databases (gnomAD no frequency). This variant has not been reported in the literature in individuals affected with MSH3-related conditions. ClinVar contains an entry for this variant (Variation ID: 818318). Experimental studies and prediction algorithms are not available or were not evaluated, and the functional significance of this variant is currently unknown. In summary, the available evidence is currently insufficient to determine the role of this variant in disease. Therefore, it has been classified as a Variant of Uncertain Significance.

Ambry Genetics
Classification: Uncertain significance for Hereditary cancer-predisposing syndrome. Last evaluated: 2025-05-28. Review status: criteria provided, single submitter. Criteria: Ambry Variant Classification Scheme 2023. Collection method: clinical testing. Allele origin: germline.
Comment: The c.1060_1092dup33 variant (also known as p.V354_S364dup), located in coding exon 7 of the MSH3 gene, results from an in-frame duplication of 33 nucleotides at nucleotide positions 1060 to 1092. This results in the duplication of 11 extra residues (VNVDEIMTDTS) between codons 354 and 364. In addition, this variant is predicted to be deleterious by in silico analysis (Choi Y et al. PLoS ONE. 2012; 7(10):e46688). Since supporting evidence is limited at this time, the clinical significance of this alteration remains unclear.